The following is an entry in ClinVar:

ClinVar aggregate classification (germline): Likely pathogenic (1 of 4 stars; one submission).

Conditions:
Acromesomelic dysplasia 1, Maroteaux type (AMD1). Also called: ST. HELENA DYSPLASIA; ACROMESOMELIC DYSPLASIA 1. Identifiers: Orphanet 40, MedGen C1864356, MONDO:0011275, OMIM 602875.
Tall stature-scoliosis-macrodactyly of the great toes syndrome. Also called: Epiphyseal chondrodysplasia, miura type. Identifiers: Orphanet 329191, MedGen C4014690, MONDO:0014401, OMIM 615923.

Submission:

Labcorp Genetics (formerly Invitae), Labcorp
Classification: Likely pathogenic for Tall stature-scoliosis-macrodactyly of the great toes syndrome; Acromesomelic dysplasia 1, Maroteaux type. Last evaluated: 2026-02-01. Review status: criteria provided, single submitter. Criteria: Invitae Variant Classification Sherloc (09022015). Collection method: clinical testing. Allele origin: germline.
Comment: This sequence change affects a donor splice site in intron 15 of the NPR2 gene. It is expected to disrupt RNA splicing. Variants that disrupt the donor or acceptor splice site typically lead to a loss of protein function (PMID: 16199547), and loss-of-function variants in NPR2 are known to be pathogenic (PMID: 15146390, 15572448, 16384845). This variant is not present in population databases (gnomAD no frequency). Disruption of this splice site has been observed in individual(s) with NPR2-related conditions (internal data). Algorithms developed to predict the effect of sequence changes on RNA splicing suggest that this variant may disrupt the consensus splice site. In summary, the currently available evidence indicates that the variant is pathogenic, but additional data are needed to prove that conclusively. Therefore, this variant has been classified as Likely Pathogenic.

Literature cited by the submitters: PubMed 16199547; PubMed 15146390; PubMed 15572448; PubMed 16384845.

NM_003995.4(NPR2):c.2372+1G>A

Gene: NPR2 (natriuretic peptide receptor 2; plus strand). Cytogenetic location: 9p13.3.
Variant type: single nucleotide variant.
Coding change: c.2372+1G>A on transcript NM_003995.4 (MANE Select); the canonical splice donor site of the intron after coding-DNA position 2372, G replaced by A.
Molecular consequence: splice donor variant.
Genome position (GRCh38, 1-based): chr9:35,806,234, G>A. VCF-style: chr9-35806234-G-A. GRCh37 (hg19) VCF-style: chr9-35806231-G-A.
Other names: c.2381+1G>A (NM_001378923.1).
Identifiers: ClinVar variation 4791586 (VCV004791586.1).
Genomic context (GRCh38, chr9:35,806,234, plus strand): 5'-GGACCCAGCTGAGCGGCCAGACTTTGGACAGATTAAGGGCTTCATTCGGCGCTTTAACAA[G>A]TGAGAGGGCATTATGGGGCAGGGGCTTCCCAGGGATAGAAGACTCATTAGTCCTAGTGCA-3'